The following is an entry in ClinVar:

NM_001330195.2(NRXN3):c.757+93386A>G

Gene: NRXN3 (neurexin 3; plus strand). Cytogenetic location: 14q24.3.
Variant type: single nucleotide variant.
Coding change: c.757+93386A>G on transcript NM_001330195.2 (MANE Select); 93386 bases into the intron after coding-DNA position 757, A replaced by G.
Molecular consequence: intron variant.
Genome position (GRCh38, 1-based): chr14:78,391,246, A>G. VCF-style: chr14-78391246-A-G. GRCh37 (hg19) VCF-style: chr14-78857589-A-G.
Other names: c.769+90555A>G (NM_001366426.1); c.757+93386A>G (NM_001366425.1).
Identifiers: ClinVar variation 4856090 (VCV004856090.1).

ClinVar aggregate classification (germline): Uncertain significance (1 of 4 stars; one submission).

Conditions:
NRXN3-related disorder. Also called: NRXN3-related condition.

Submission:

3billion
Classification: Uncertain significance for NRXN3-related disorder. Last evaluated: 2025-09-30. Review status: criteria provided, single submitter. Criteria: ACMG Guidelines, 2015. Collection method: clinical testing. Allele origin: germline. Affected: yes.
Comment: The variant is not observed in the gnomAD v4.1.0 dataset. Predicted Consequence/Location: Intron variant In silico tools predict the variant to alter splicing and produce an abnormal transcript [SpliceAI: 0.32 (>=0.2, moderate evidence for spliceogenicity)]. Therefore, this variant is classified as VUS according to the recommendation of ACMG/AMP guideline.